The following is an entry in ClinVar:

NM_000271.5(NPC1):c.3830A>G (p.Asn1277Ser)

Gene: NPC1 (NPC intracellular cholesterol transporter 1; minus strand). Cytogenetic location: 18q11.2.
Variant type: single nucleotide variant.
Coding change: c.3830A>G on transcript NM_000271.5 (MANE Select); coding-DNA position 3830, A replaced by G.
Protein change: p.Asn1277Ser; replaces asparagine 1277 with serine.
Molecular consequence: missense variant.
Genome position (GRCh38, 1-based): chr18:23,532,209, T>C on the plus strand (A>G on the coding strand, the complement: NPC1 is on the minus strand). VCF-style: chr18-23532209-T-C. GRCh37 (hg19) VCF-style: chr18-21112173-T-C.
Other names: short protein forms N1277S.
Identifiers: ClinVar variation 1497176 (VCV001497176.5), dbSNP rs745328444, ClinGen allele CA8912627.
Genomic context (GRCh38, chr18:23,532,209, plus strand): 5'-GGTAAACCGACCGACCCTTAGACACAGTTCAGTCAGGATGCCCTGCGAGAGGGCTAGAAA[T>C]TTAGAAGCCGTTCGCGCTCTGTTCCTTTGTATCGCTCTTCAGTGGCACAACTTTTGGCTT-3'
Protein context (NP_000262.2, residues 1267-1278): YKGTERERLL[Asn1277Ser]F

ClinVar aggregate classification (germline): Uncertain significance (1 of 4 stars; one submission).

Conditions:
Niemann-Pick disease, type C1. Also called: NIEMANN-PICK DISEASE, VARIANT TYPE C1; NEUROVISCERAL STORAGE DISEASE WITH VERTICAL SUPRANUCLEAR OPHTHALMOPLEGIA; NIEMANN-PICK DISEASE WITH CHOLESTEROL ESTERIFICATION BLOCK; NIEMANN-PICK DISEASE WITHOUT SPHINGOMYELINASE DEFICIENCY; NIEMANN-PICK DISEASE, CHRONIC NEURONOPATHIC FORM. Identifiers: Orphanet 646, MedGen C3179455, MONDO:0009757, OMIM 257220.

Allele frequency attached by ClinVar (database versions not stated): gnomAD exomes 0.00001; ExAC 0.00002.
gnomAD v4.1: 10 of 1,614,126 alleles (0.00062%); highest among the groups gnomAD compares: Non-Finnish European, 0.00085%; no homozygotes.

Submission:

Labcorp Genetics (formerly Invitae), Labcorp
Classification: Uncertain significance for Niemann-Pick disease, type C1. Last evaluated: 2021-09-24. Review status: criteria provided, single submitter. Criteria: Invitae Variant Classification Sherloc (09022015). Collection method: clinical testing. Allele origin: germline.
Comment: This sequence change replaces asparagine with serine at codon 1277 of the NPC1 protein (p.Asn1277Ser). The asparagine residue is moderately conserved and there is a small physicochemical difference between asparagine and serine. This variant is present in population databases (rs745328444, ExAC 0.003%). This variant has not been reported in the literature in individuals with NPC1-related conditions. Advanced modeling of protein sequence and biophysical properties (such as structural, functional, and spatial information, amino acid conservation, physicochemical variation, residue mobility, and thermodynamic stability) performed at Invitae indicates that this missense variant is not expected to disrupt NPC1 protein function. In summary, the available evidence is currently insufficient to determine the role of this variant in disease. Therefore, it has been classified as a Variant of Uncertain Significance.